The following is an entry in ClinVar:

ClinVar aggregate classification (germline): Conflicting classifications of pathogenicity. Review status: criteria provided, conflicting classifications (1 of 4 stars). 8 submissions from 8 submitters: Pathogenic (2); Likely pathogenic (3); Uncertain significance (3). Last evaluated 2025-08-11.

Conditions:
Hereditary spastic paraplegia 7 (SPG7). Also called: SPASTIC PARAPLEGIA 7, AUTOSOMAL RECESSIVE, WITH OR WITHOUT CEREBELLAR ATAXIA; Spastic paraplegia 7; Hereditary spastic paraplegia Paraplegin type; Autosomal recessive spastic paraplegia type 7; SPG7-related neurologic disorder. Identifiers: Orphanet 99013, MedGen C1846564, MONDO:0011803, OMIM 607259.

Allele frequency attached by ClinVar (database versions not stated): gnomAD 0.00001.
gnomAD v4.1: 5 of 1,613,882 alleles (0.00031%); highest among the groups gnomAD compares: Non-Finnish European, 0.00042%; no homozygotes.

Submissions (8):

Labcorp Genetics (formerly Invitae), Labcorp
Classification: Likely pathogenic for Hereditary spastic paraplegia 7. Last evaluated: 2025-08-11. Review status: criteria provided, single submitter. Criteria: Invitae Variant Classification Sherloc (09022015). Collection method: clinical testing. Allele origin: germline.
Comment: This sequence change replaces glycine, which is neutral and non-polar, with aspartic acid, which is acidic and polar, at codon 577 of the SPG7 protein (p.Gly577Asp). This variant is not present in population databases (gnomAD no frequency). This missense change has been observed in individuals with hereditary spastic paraplegia (PMID: 21623769; external communication). ClinVar contains an entry for this variant (Variation ID: 989129). Invitae Evidence Modeling of protein sequence and biophysical properties (such as structural, functional, and spatial information, amino acid conservation, physicochemical variation, residue mobility, and thermodynamic stability) indicates that this missense variant is expected to disrupt SPG7 protein function with a positive predictive value of 80%. This variant disrupts the p.Gly577 amino acid residue in SPG7. Other variant(s) that disrupt this residue have been observed in individuals with SPG7-related conditions (PMID: 14985266; internal data), which suggests that this may be a clinically significant amino acid residue. In summary, the currently available evidence indicates that the variant is pathogenic, but additional data are needed to prove that conclusively. Therefore, this variant has been classified as Likely Pathogenic.

GeneDx
Classification: Uncertain significance. Last evaluated: 2025-04-02. Review status: criteria provided, single submitter. Criteria: GeneDx Variant Classification Process June 2021. Collection method: clinical testing. Allele origin: germline. Affected: yes.
Comment: Not observed at significant frequency in large population cohorts (gnomAD); In silico analysis supports that this missense variant has a deleterious effect on protein structure/function; This variant is associated with the following publications: (PMID: 25525159, 34983064, 22571692, 33157434, 21623769)

Fulgent Genetics
Classification: Likely pathogenic for Hereditary spastic paraplegia 7. Last evaluated: 2024-06-10. Review status: criteria provided, single submitter. Criteria: ACMG Guidelines, 2015. Collection method: clinical testing. Allele origin: germline.

Women's Health and Genetics/Laboratory Corporation of America, LabCorp
Classification: Uncertain significance. Last evaluated: 2024-05-14. Review status: criteria provided, single submitter. Criteria: LabCorp Variant Classification Summary - May 2015. Collection method: clinical testing. Allele origin: germline.
Comment: Variant summary: SPG7 c.1730G>A (p.Gly577Asp) results in a non-conservative amino acid change located in the Peptidase M41 domain (IPR000642) of the encoded protein sequence. Five of five in-silico tools predict a damaging effect of the variant on protein function. The variant was absent in 251290 control chromosomes. The available data on variant occurrences in the general population are insufficient to allow any conclusion about variant significance. c.1730G>A has been reported in the literature in an individual affected with Hereditary Spastic Paraplegia 7 (Schlipf_2011). These data do not allow any conclusion about variant significance. To our knowledge, no experimental evidence demonstrating an impact on protein function has been reported. The following publications have been ascertained in the context of this evaluation (PMID: 21623769). ClinVar contains an entry for this variant (Variation ID: 989129). Based on the evidence outlined above, the variant was classified as uncertain significance.

PROSPAX: an integrated multimodal progression  chart in spastic ataxias, Center for Neurology; Hertie-Institute for Clinical Brain Research
Classification: Pathogenic for Hereditary spastic paraplegia 7. Last evaluated: 2022-01-01. Review status: criteria provided, single submitter. Criteria: ACMG Guidelines, 2015. Collection method: research. Allele origin: germline. Affected: yes. Observed: 1 variant allele, 1 compound heterozygote.

Genetic Services Laboratory, University of Chicago
Classification: Likely pathogenic. Last evaluated: 2021-06-18. Review status: criteria provided, single submitter. Criteria: ACMG Guidelines, 2015. Collection method: clinical testing. Allele origin: germline. Affected: yes.
Comment: DNA sequence analysis of the SPG7 gene demonstrated a sequence change,c.1730G>A, in exon 13 that results in an amino acid change, p.Gly577Asp. This sequence change is absent in the gnomAD population database. The p.Gly577Asp change has been previously described in the compound heterozygous state in one individual with spastic paraplegia (PMID: 21623769). Another different sequence change affecting the same amino acid (p.Gly577Ser) has also been reported in the compound heterozygous state in one individual with spastic paraplegia (PMID: 14985266). The p.Gly577Asp change affects a highly conserved amino acid residue located in the zinc binding motif of the SPG7 protein. The p.Gly577Asp substitution appears to be deleterious using several in-silico pathogenicity prediction tools (SIFT, PolyPhen2, Align GVGD, REVEL). Overall, this evidence suggests p.Gly577Asp is likely pathogenic, however functional studies have not been performed to prove this conclusively.

Revvity Omics, Revvity
Classification: Uncertain significance for Hereditary spastic paraplegia 7. Last evaluated: 2021-01-14. Review status: criteria provided, single submitter. Criteria: ACMG Guidelines, 2015. Collection method: clinical testing. Allele origin: germline.

Paris Brain Institute, Inserm - ICM
Classification: Pathogenic for Hereditary spastic paraplegia 7. Review status: criteria provided, single submitter. Criteria: ACMG Guidelines, 2015. Collection method: clinical testing. Allele origin: unknown. Affected: yes. Observed: 1 variant allele.

Literature cited by the submitters: PubMed 21623769 (cited by Labcorp Genetics (formerly Invitae), Labcorp and Women's Health and Genetics/Laboratory Corporation of America, LabCorp); PubMed 14985266 (cited by Labcorp Genetics (formerly Invitae), Labcorp); PubMed 34983064 (cited by Women's Health and Genetics/Laboratory Corporation of America, LabCorp).

NM_003119.4(SPG7):c.1730G>A (p.Gly577Asp)

Gene: SPG7 (SPG7 matrix AAA peptidase subunit, paraplegin; plus strand). Cytogenetic location: 16q24.3.
Variant type: single nucleotide variant.
Coding change: c.1730G>A on transcript NM_003119.4 (MANE Select); coding-DNA position 1730, G replaced by A.
Protein change: p.Gly577Asp; replaces glycine 577 with aspartic acid.
Molecular consequence: missense variant.
Genome position (GRCh38, 1-based): chr16:89,550,560, G>A. VCF-style: chr16-89550560-G-A. GRCh37 (hg19) VCF-style: chr16-89616968-G-A.
Other names: c.1730G>A (NM_003119.2, NM_003119.3); c.1730G>A, p.Gly577Asp (NM_001363850.1); short protein forms G577D.
Identifiers: ClinVar variation 989129 (VCV000989129.13), dbSNP rs1329063851, ClinGen allele CA397431065.